The following is an entry in ClinVar:

NM_001931.5(DLAT):c.976-2del

Gene: DLAT (dihydrolipoamide S-acetyltransferase; plus strand). Cytogenetic location: 11q23.1.
Variant type: Deletion.
Coding change: c.976-2del on transcript NM_001931.5 (MANE Select); the canonical splice acceptor site of the intron before coding-DNA position 976, one base deleted (A; older notation c.976-2delA).
Molecular consequence: splice acceptor variant.
Genome position (GRCh38, 1-based): chr11:112,039,242, A deleted; the last of 4 consecutive A bases (chr11:112,039,239-112,039,242); deleting any one gives the same sequence. VCF-style (leftmost placement, unchanged base first): chr11-112039238-CA-C. GRCh37 (hg19) VCF-style: chr11-111909962-CA-C.
Other names: c.661-2del (NM_001372041.1, NM_001372039.1); c.697-2del (NM_001372038.1); c.595-2del (NM_001372040.1); c.943-2del (NM_001372034.1); c.850-2del (NM_001372036.1); c.808-2del (NM_001372037.1); c.514-2del (NM_001372042.1); c.976-2del (NM_001372031.1, NM_001372033.1, NM_001372035.1 and 1 more transcripts).
Identifiers: ClinVar variation 439604 (VCV000439604.15), dbSNP rs781853215, ClinGen allele CA6276796.

ClinVar aggregate classification (germline): Conflicting classifications of pathogenicity. Review status: criteria provided, conflicting classifications (1 of 4 stars). 3 submissions from 3 submitters: Uncertain significance (2); Likely benign (1). Last evaluated 2026-10-01.

Conditions:
Pyruvate dehydrogenase E2 deficiency (PDHDD). Also called: Dihydrolipoamide Acetyltransferase (E2) Deficiency; LACTIC ACIDEMIA DUE TO DEFECT OF E2 LIPOYL TRANSACETYLASE OF THE PYRUVATE DEHYDROGENASE COMPLEX. Identifiers: Orphanet 765, Orphanet 79244, MedGen C1855565, MONDO:0009502, OMIM 245348.

Submissions (3):

GeneDx
Classification: Uncertain significance. Last evaluated: 2026-10-01. Review status: criteria provided, single submitter. Criteria: GeneDx Variant Classification Process June 2021. Collection method: clinical testing. Allele origin: germline.
Comment: In silico analysis suggests that this variant does not alter splicing; Has not been previously published as pathogenic or benign to our knowledge

Labcorp Genetics (formerly Invitae), Labcorp
Classification: Likely benign for Pyruvate dehydrogenase E2 deficiency. Last evaluated: 2026-01-15. Review status: criteria provided, single submitter. Criteria: Invitae Variant Classification Sherloc (09022015). Collection method: clinical testing. Allele origin: germline.

ARUP Laboratories, Molecular Genetics and Genomics, ARUP Laboratories
Classification: Uncertain significance. Last evaluated: 2017-04-20. Review status: criteria provided, single submitter. Criteria: ARUP Molecular Germline Variant Investigation Process. Collection method: clinical testing. Allele origin: germline.